The following is an entry in ClinVar:

ClinVar aggregate classification (germline): Likely benign. Review status: criteria provided, multiple submitters, no conflicts (2 of 4 stars). 3 submissions from 3 submitters: Likely benign (3). Last evaluated 2025-03-03.

Conditions:
Cardiovascular phenotype. Identifiers: MedGen CN230736.

gnomAD v4.1: 10 of 1,550,002 alleles (0.00065%); highest among the groups gnomAD compares: Middle Eastern, 0.017%; no homozygotes.

Submissions (3):

Labcorp Genetics (formerly Invitae), Labcorp
Classification: Likely benign. Last evaluated: 2025-03-03. Review status: criteria provided, single submitter. Criteria: Invitae Variant Classification Sherloc (09022015). Collection method: clinical testing. Allele origin: germline.

CeGaT Center for Human Genetics Tuebingen
Classification: Likely benign. Last evaluated: 2023-07-01. Review status: criteria provided, single submitter. Criteria: CeGaT Center For Human Genetics Tuebingen Variant Classification Criteria Version 2. Collection method: clinical testing. Allele origin: germline. Affected: yes. Observed: 1 variant allele.
Comment: ZNF469: PM2:Supporting, BP4, BP7

Ambry Genetics
Classification: Likely benign for Cardiovascular phenotype. Last evaluated: 2021-06-06. Review status: criteria provided, single submitter. Criteria: Ambry Variant Classification Scheme 2023. Collection method: clinical testing. Allele origin: germline.

NM_001367624.2(ZNF469):c.11577G>T (p.Pro3859=)

Gene: ZNF469 (zinc finger protein 469; plus strand). Cytogenetic location: 16q24.2.
Variant type: single nucleotide variant.
Coding change: c.11577G>T on transcript NM_001367624.2 (MANE Select); coding-DNA position 11577, G replaced by T.
Protein change: p.Pro3859=; no amino-acid change (proline 3859 retained).
Molecular consequence: synonymous variant.
Genome position (GRCh38, 1-based): chr16:88,439,047, G>T. VCF-style: chr16-88439047-G-T. GRCh37 (hg19) VCF-style: chr16-88505455-G-T.
Other names: NM_001127464.1:c.11493G>T.
Identifiers: ClinVar variation 1733177 (VCV001733177.30), dbSNP rs191554921, ClinGen allele CA497359506.